The following is an entry in ClinVar:

NM_004385.5(VCAN):c.3683C>T (p.Ala1228Val)

Gene: VCAN (versican; plus strand). Cytogenetic location: 5q14.3.
Variant type: single nucleotide variant.
Coding change: c.3683C>T on transcript NM_004385.5 (MANE Select); coding-DNA position 3683, C replaced by T.
Protein change: p.Ala1228Val; replaces alanine 1228 with valine.
Molecular consequence: missense variant. On other transcripts: intron variant (2).
Genome position (GRCh38, 1-based): chr5:83,521,989, C>T. VCF-style: chr5-83521989-C-T. GRCh37 (hg19) VCF-style: chr5-82817808-C-T.
Other names: c.3683C>T, p.Ala1228Val (NM_001164098.2); c.1042+9593C>T (NM_001164097.2, NM_001126336.3); short protein forms A1228V.
Identifiers: ClinVar variation 354419 (VCV000354419.12), dbSNP rs200685807, ClinGen allele CA3333036.

ClinVar aggregate classification (germline): Conflicting classifications of pathogenicity. Review status: criteria provided, conflicting classifications (1 of 4 stars). 2 submissions from 2 submitters: Uncertain significance (1); Likely benign (1). Last evaluated 2025-08-09.

Conditions:
Vitreoretinopathy. Also called: Vitreoretinal degeneration. Identifiers: MedGen C0344290, MONDO:0020248, HP:0007773.

Allele frequency attached by ClinVar (database versions not stated): gnomAD 0.00001 and 0.00002; gnomAD exomes 0.00002 and 0.00003; TOPMed 0.00002; ExAC 0.00005; 1000 Genomes Project 30x 0.00016; 1000 Genomes Project 0.00020.
gnomAD v4.1: 29 of 1,614,188 alleles (0.0018%); highest among the groups gnomAD compares: Middle Eastern, 0.017%; no homozygotes.

Submissions (2):

Labcorp Genetics (formerly Invitae), Labcorp
Classification: Uncertain significance. Last evaluated: 2025-08-09. Review status: criteria provided, single submitter. Criteria: Invitae Variant Classification Sherloc (09022015). Collection method: clinical testing. Allele origin: germline.
Comment: This sequence change replaces alanine, which is neutral and non-polar, with valine, which is neutral and non-polar, at codon 1228 of the VCAN protein (p.Ala1228Val). This variant is present in population databases (rs200685807, gnomAD 0.007%). This variant has not been reported in the literature in individuals affected with VCAN-related conditions. ClinVar contains an entry for this variant (Variation ID: 354419). An algorithm developed to predict the effect of missense changes on protein structure and function outputs the following: PolyPhen-2: "Benign". The valine amino acid residue is found in multiple mammalian species, which suggests that this missense change does not adversely affect protein function. In summary, the available evidence is currently insufficient to determine the role of this variant in disease. Therefore, it has been classified as a Variant of Uncertain Significance.

Illumina Laboratory Services, Illumina
Classification: Likely benign for Vitreoretinopathy. Last evaluated: 2018-01-13. Review status: criteria provided, single submitter. Criteria: ICSL Variant Classification Criteria 13 December 2019. Collection method: clinical testing. Allele origin: germline.
Comment: This variant was observed in the ICSL laboratory as part of a predisposition screen in an ostensibly healthy population. It had not been previously curated by ICSL or reported in the Human Gene Mutation Database (HGMD: prior to June 1st, 2018), and was therefore a candidate for classification through an automated scoring system. Utilizing variant allele frequency, disease prevalence and penetrance estimates, and inheritance mode, an automated score was calculated to assess if this variant is too frequent to cause the disease. Based on the score and internal cut-off values, a variant classified as likely benign is not then subjected to further curation. The score for this variant resulted in a classification of likely benign for this disease.